The following is an entry in ClinVar:

ClinVar aggregate classification (germline): Likely benign (1 of 4 stars; one submission).

Conditions:
LAMA5-related disorder. Also called: LAMA5-related condition; LAMA5-Related Disorders.

gnomAD v4.1: 137 of 1,587,248 alleles (0.0086%); highest among the groups gnomAD compares: Admixed American, 0.12%; no homozygotes.

Submission:

PreventionGenetics, part of Exact Sciences
Classification: Likely benign for LAMA5-related condition. Last evaluated: 2025-08-25. Review status: criteria provided, single submitter. Criteria: ACMG Guidelines, 2015. Collection method: clinical testing. Allele origin: germline.
Comment: This variant is classified as likely benign based on ACMG/AMP sequence variant interpretation guidelines (Richards et al. 2015 PMID: 25741868, with internal and published modifications).

NM_005560.6(LAMA5):c.7239+5G>A

Gene: LAMA5 (laminin subunit alpha 5; minus strand). Cytogenetic location: 20q13.33.
Variant type: single nucleotide variant.
Coding change: c.7239+5G>A on transcript NM_005560.6 (MANE Select); 5 bases into the intron after coding-DNA position 7239, G replaced by A.
Molecular consequence: intron variant.
Genome position (GRCh38, 1-based): chr20:62,318,449, C>T on the plus strand (G>A on the coding strand, the complement: LAMA5 is on the minus strand). VCF-style: chr20-62318449-C-T. GRCh37 (hg19) VCF-style: chr20-60893505-C-T.
Identifiers: ClinVar variation 4984198 (VCV004984198.1).
Genomic context (GRCh38, chr20:62,318,449, plus strand): 5'-GGAGAGGGATTGCAGGGAGGAGGCGGGAAGAGGAGCAGGAGGAAGAACAAGTCCGGGGTC[C>T]TCACCAGGGCTTCCTCCAGGCGCTCCTGGTTGCGGCTGTTGAGCTCCTGGGCCTCCCGTG-3'